The following is an entry in ClinVar:

NM_004933.3(CDH15):c.2339A>G (p.Tyr780Cys)

Gene: CDH15 (cadherin 15; plus strand). Cytogenetic location: 16q24.3.
Variant type: single nucleotide variant.
Coding change: c.2339A>G on transcript NM_004933.3 (MANE Select); coding-DNA position 2339, A replaced by G.
Protein change: p.Tyr780Cys; replaces tyrosine 780 with cysteine.
Molecular consequence: missense variant.
Genome position (GRCh38, 1-based): chr16:89,195,049, A>G. VCF-style: chr16-89195049-A-G. GRCh37 (hg19) VCF-style: chr16-89261457-A-G.
Other names: short protein forms Y780C.
Identifiers: ClinVar variation 5020738 (VCV005020738.1).

ClinVar aggregate classification (germline): Uncertain significance (1 of 4 stars; one submission).

Submission:

Dasa
Classification: Uncertain significance. Last evaluated: 2026-01-09. Review status: criteria provided, single submitter. Criteria: DASA Assertion Criteria. Collection method: clinical testing. Allele origin: germline.
Comment: NM_004933.3(CDH15):c.2339A>G (p.Tyr780Cys) is a missense variant that results in the substitution of tyrosine with cysteine. This variant is rare in population databases. Computational prediction algorithms are consistent with a deleterious effect. The currently available literature and clinical evidence are not sufficient to establish a definitive association between this variant and the reported condition. Therefore, this variant is classified as a variant of uncertain significance.